The following is an entry in ClinVar:

ClinVar aggregate classification (germline): Pathogenic. Review status: criteria provided, multiple submitters, no conflicts (2 of 4 stars). 2 submissions from 2 submitters: Pathogenic (2). Last evaluated 2024-09-20.

Conditions:
Long QT syndrome (LQTS). Identifiers: MedGen C0023976, MeSH D008133, MONDO:0002442. Disease mechanism: loss of function. Inheritance: Various modes of inheritance.

Submissions (2):

Labcorp Genetics (formerly Invitae), Labcorp
Classification: Pathogenic for Long QT syndrome. Last evaluated: 2024-09-20. Review status: criteria provided, single submitter. Criteria: Invitae Variant Classification Sherloc (09022015). Collection method: clinical testing. Allele origin: germline.
Comment: This sequence change affects codon 344 of the KCNQ1 mRNA. It is a 'silent' change, meaning that it does not change the encoded amino acid sequence of the KCNQ1 protein. RNA analysis indicates that this variant induces altered splicing and likely results in a shortened protein product. This variant is not present in population databases (gnomAD no frequency). This variant has been observed in individuals with clinical features of Jervell and Lange-Nielsen syndrome and/or long QT syndrome (PMID: 10477533, 30036649, 31737537). It has also been observed to segregate with disease in related individuals. ClinVar contains an entry for this variant (Variation ID: 52939). Variants that disrupt the consensus splice site are a relatively common cause of aberrant splicing (PMID: 17576681, 9536098). Studies have shown that this variant results in skipping of exons 7-8 or exon 8, but is expected to preserve the integrity of the reading-frame (PMID: 10477533). For these reasons, this variant has been classified as Pathogenic.

GeneDx
Classification: Pathogenic. Last evaluated: 2013-07-26. Review status: criteria provided, single submitter. Criteria: GeneDx Variant Classification (06012015). Collection method: clinical testing. Allele origin: germline. Affected: yes.
Comment: p.Ala344Ala (GCG>GCC): c.1032 G>C in exon 7 of the KCNQ1 gene (NM_000218.2). The c.1032 G>C mutation in the KCNQ1 gene has been reported to co-segregate with a LQTS phenotype in one family (Murray A et al., 1999). The c.1032 G>C mutation changes the last nucleotide in exon 7 of the KCNQ1 gene, which affects the donor splice site and results in exon skipping (Murray A et al., 1999). Furthermore, a different nucleotide change at the same codon (c.1032 G>A, Ala344Ala) also has been reported to affect the donor splice site, and it has been reported in association with LQTS (Murray A et al., 1999). The c.1032 G>C mutation was not observed in approximately 6,500 individuals of European and African American ancestry in the NHLBI Exome Sequencing Project, indicating it is not a common benign variant in these populations.In summary, c.1032 G>C in the KCNQ1 gene is interpreted as a disease-causing mutation. The variant is found in LQT panel(s).

Literature cited by the submitters: PubMed 10477533 (cited by Labcorp Genetics (formerly Invitae), Labcorp); PubMed 30036649 (cited by Labcorp Genetics (formerly Invitae), Labcorp); PubMed 31737537 (cited by Labcorp Genetics (formerly Invitae), Labcorp); PubMed 17576681 (cited by Labcorp Genetics (formerly Invitae), Labcorp); PubMed 9536098 (cited by Labcorp Genetics (formerly Invitae), Labcorp).

NM_000218.3(KCNQ1):c.1032G>C (p.Ala344=)

Gene: KCNQ1 (potassium voltage-gated channel subfamily Q member 1; plus strand). Cytogenetic location: 11p15.5.
Variant type: single nucleotide variant.
Coding change: c.1032G>C on transcript NM_000218.3 (MANE Select); coding-DNA position 1032, G replaced by C.
Protein change: p.Ala344=; no amino-acid change (alanine 344 retained).
Molecular consequence: synonymous variant.
Genome position (GRCh38, 1-based): chr11:2,583,545, G>C. VCF-style: chr11-2583545-G-C. GRCh37 (hg19) VCF-style: chr11-2604775-G-C.
Other names: p.A344A:GCG>GCC; c.1032G>C, p.Ala344= (NM_001406836.1); c.762G>C, p.Ala254= (NM_001406837.1); c.588G>C, p.Ala196= (NM_001406838.1); c.651G>C, p.Ala217= (NM_181798.2).
Identifiers: ClinVar variation 52939 (VCV000052939.6), dbSNP rs1800171, ClinGen allele CA005015.
Genomic context (GRCh38, chr11:2,583,545, plus strand): 5'-CGGGAAGACCATCGCCTCCTGCTTCTCTGTCTTTGCCATCTCCTTCTTTGCGCTCCCAGC[G>C]GTAGGTGCCCCGTGGGTGCGTTTTCCCTGGCTCCTTGGACAGCTGGGGTCCTGGGGTGGC-3'
Protein context (NP_000209.2, residues 334-354): VFAISFFALP[Ala344=]GILGSGFALK